The following is an entry in ClinVar:

NM_144631.6(ZNF513):c.743C>T (p.Pro248Leu)

Gene: ZNF513 (zinc finger protein 513; minus strand). Cytogenetic location: 2p23.3.
Variant type: single nucleotide variant.
Coding change: c.743C>T on transcript NM_144631.6 (MANE Select); coding-DNA position 743, C replaced by T.
Protein change: p.Pro248Leu; replaces proline 248 with leucine.
Molecular consequence: missense variant.
Genome position (GRCh38, 1-based): chr2:27,378,523, G>A on the plus strand (C>T on the coding strand, the complement: ZNF513 is on the minus strand). VCF-style: chr2-27378523-G-A. GRCh37 (hg19) VCF-style: chr2-27601390-G-A.
Other names: c.557C>T, p.Pro186Leu (NM_001201459.2); short protein forms P248L, P186L.
Identifiers: ClinVar variation 1509441 (VCV001509441.8), dbSNP rs2148412997, ClinGen allele CA346217532.

ClinVar aggregate classification (germline): Uncertain significance (1 of 4 stars; one submission).

Submission:

Labcorp Genetics (formerly Invitae), Labcorp
Classification: Uncertain significance. Last evaluated: 2025-12-17. Review status: criteria provided, single submitter. Criteria: Invitae Variant Classification Sherloc (09022015). Collection method: clinical testing. Allele origin: germline.
Comment: This sequence change replaces proline, which is neutral and non-polar, with leucine, which is neutral and non-polar, at codon 248 of the ZNF513 protein (p.Pro248Leu). This variant is not present in population databases (gnomAD no frequency). This variant has not been reported in the literature in individuals affected with ZNF513-related conditions. ClinVar contains an entry for this variant (Variation ID: 1509441). An algorithm developed to predict the effect of missense changes on protein structure and function (PolyPhen-2) suggests that this variant is likely to be disruptive. In summary, the available evidence is currently insufficient to determine the role of this variant in disease. Therefore, it has been classified as a Variant of Uncertain Significance.